The following is an entry in ClinVar:

NM_001206927.2(DNAH8):c.360dup (p.Asn121fs)

Genes: DNAH8 (dynein axonemal heavy chain 8; plus strand), LOC126859667 (BRD4-independent group 4 enhancer GRCh37_chr6:38690326-38691525; plus strand). Cytogenetic location: 6p21.2.
Variant type: Duplication.
Coding change: c.360dup on transcript NM_001206927.2 (MANE Select); coding-DNA position 360, one base duplicated (C; older notation c.360dupC).
Protein change: p.Asn121fs; shifts the reading frame from asparagine 121.
Molecular consequence: frameshift variant. On other transcripts: 5 prime UTR variant (1).
Genome position (GRCh38, 1-based): chr6:38,723,169, C duplicated; the last of 3 consecutive C bases (chr6:38,723,167-38,723,169); duplicating any one gives the same sequence. VCF-style (leftmost placement, unchanged base first): chr6-38723166-T-TC. GRCh37 (hg19) VCF-style: chr6-38690942-T-TC.
Other names: c.-207dup (NM_001371.4); short protein forms N121fs.
Identifiers: ClinVar variation 2635111 (VCV002635111.1), dbSNP rs2533985932, ClinGen allele CA2695198823.

ClinVar aggregate classification (germline): Likely pathogenic (1 of 4 stars; one submission).

Conditions:
DNAH8-related disorder. Also called: DNAH8-related condition.

Submission:

PreventionGenetics, part of Exact Sciences
Classification: Likely pathogenic for DNAH8-related condition. Last evaluated: 2022-12-06. Review status: criteria provided, single submitter. Criteria: ACMG Guidelines, 2015. Collection method: clinical testing. Allele origin: germline.
Comment: The DNAH8 c.360dupC variant is predicted to result in a frameshift and premature protein termination (p.Asn121Glnfs*14). To our knowledge, this variant has not been reported in the literature or in a large population database, indicating this variant is rare. Frameshift variants in DNAH8 are expected to be pathogenic. This variant is interpreted as likely pathogenic.